The following is an entry in ClinVar:

NM_024548.4(CEP97):c.2443G>A (p.Gly815Ser)

Gene: CEP97 (centrosomal protein 97; plus strand). Cytogenetic location: 3q12.3.
Variant type: single nucleotide variant.
Coding change: c.2443G>A on transcript NM_024548.4 (MANE Select); coding-DNA position 2443, G replaced by A.
Protein change: p.Gly815Ser; replaces glycine 815 with serine.
Molecular consequence: missense variant.
Genome position (GRCh38, 1-based): chr3:101,765,396, G>A. VCF-style: chr3-101765396-G-A. GRCh37 (hg19) VCF-style: chr3-101484240-G-A.
Other names: c.2266G>A, p.Gly756Ser (NM_001303401.2); c.2341G>A, p.Gly781Ser (NM_001410784.1); c.2164G>A, p.Gly722Ser (NM_001410785.1); short protein forms G722S, G756S, G781S, G815S.
Identifiers: ClinVar variation 3622195 (VCV003622195.2).

ClinVar aggregate classification (germline): Uncertain significance (1 of 4 stars; one submission).

gnomAD v4.1: 20 of 1,613,982 alleles (0.0012%); highest among the groups gnomAD compares: East Asian, 0.0022%; no homozygotes.

Submission:

Labcorp Genetics (formerly Invitae), Labcorp
Classification: Uncertain significance. Last evaluated: 2024-12-05. Review status: criteria provided, single submitter. Criteria: Invitae Variant Classification Sherloc (09022015). Collection method: clinical testing. Allele origin: germline.
Comment: This sequence change replaces glycine, which is neutral and non-polar, with serine, which is neutral and polar, at codon 815 of the CEP97 protein (p.Gly815Ser). This variant is present in population databases (rs747591427, gnomAD 0.002%). This variant has not been reported in the literature in individuals affected with CEP97-related conditions. Invitae Evidence Modeling of protein sequence and biophysical properties (such as structural, functional, and spatial information, amino acid conservation, physicochemical variation, residue mobility, and thermodynamic stability) indicates that this missense variant is not expected to disrupt CEP97 protein function with a negative predictive value of 80%. In summary, the available evidence is currently insufficient to determine the role of this variant in disease. Therefore, it has been classified as a Variant of Uncertain Significance.